The following is an entry in ClinVar:

ClinVar aggregate classification (germline): Uncertain significance (1 of 4 stars; one submission).

Conditions:
Craniofaciocardiohepatic syndrome. Identifiers: MedGen C6012720, MONDO:0978295, OMIM 621192.

Submission:

Juno Genomics, Hangzhou Juno Genomics, Inc
Classification: Uncertain significance for Craniofaciocardiohepatic syndrome. Review status: criteria provided, single submitter. Criteria: ACMG Guidelines, 2015. Collection method: clinical testing. Allele origin: germline.
Comment: Absent from controls (or at extremely low frequency if recessive) in Genome Aggregation Database.

NM_130847.3(AMOTL1):c.2488+1G>T

Gene: AMOTL1 (angiomotin like 1; plus strand). Cytogenetic location: 11q21.
Variant type: single nucleotide variant.
Coding change: c.2488+1G>T on transcript NM_130847.3 (MANE Select); the canonical splice donor site of the intron after coding-DNA position 2488, G replaced by T.
Molecular consequence: splice donor variant.
Genome position (GRCh38, 1-based): chr11:94,866,169, G>T. VCF-style: chr11-94866169-G-T. GRCh37 (hg19) VCF-style: chr11-94599334-G-T.
Other names: c.2338+1G>T (NM_001301007.2).
Identifiers: ClinVar variation 5005009 (VCV005005009.2).